The following is an entry in ClinVar:

NM_001008537.3(NEXMIF):c.617del (p.Gly206fs)

Gene: NEXMIF (neurite extension and migration factor; minus strand). Cytogenetic location: Xq13.3.
Variant type: Deletion.
Coding change: c.617del on transcript NM_001008537.3 (MANE Select); coding-DNA position 617, one base deleted (G; older notation c.617delG).
Protein change: p.Gly206fs; shifts the reading frame from glycine 206.
Molecular consequence: frameshift variant.
Genome position (GRCh38, 1-based): chrX:74,743,940, C deleted on the plus strand (G on the coding strand, the reverse complement: NEXMIF is on the minus strand); the first of 2 consecutive C bases (chrX:74,743,940-74,743,941); deleting either gives the same sequence. VCF-style (leftmost placement, unchanged base first): chrX-74743939-GC-G. GRCh37 (hg19) VCF-style: chrX-73963774-GC-G.
Other names: short protein forms G206fs.
Identifiers: ClinVar variation 4535420 (VCV004535420.6).

ClinVar aggregate classification (germline): Pathogenic (1 of 4 stars; one submission).

Submission:

CeGaT Center for Human Genetics Tuebingen
Classification: Pathogenic. Last evaluated: 2025-11-01. Review status: criteria provided, single submitter. Criteria: CeGaT Center For Human Genetics Tuebingen Variant Classification Criteria Version 2. Collection method: clinical testing. Allele origin: germline. Affected: yes. Observed: 1 variant allele.
Comment: NEXMIF: PVS1, PM2